The following is an entry in ClinVar:

NM_001042492.3(NF1):c.7584A>T (p.Gln2528His)

Gene: NF1 (neurofibromin 1; plus strand). Cytogenetic location: 17q11.2.
Variant type: single nucleotide variant.
Coding change: c.7584A>T on transcript NM_001042492.3 (MANE Select); coding-DNA position 7584, A replaced by T.
Protein change: p.Gln2528His; replaces glutamine 2528 with histidine.
Molecular consequence: missense variant.
Genome position (GRCh38, 1-based): chr17:31,352,383, A>T. VCF-style: chr17-31352383-A-T. GRCh37 (hg19) VCF-style: chr17-29679401-A-T.
Other names: c.7521A>T, p.Gln2507His (NM_000267.4); short protein forms Q2507H, Q2528H.
Identifiers: ClinVar variation 3404687 (VCV003404687.1).

ClinVar aggregate classification (germline): Uncertain significance (1 of 4 stars; one submission).

Conditions:
Hereditary cancer-predisposing syndrome. Also called: Hereditary Cancer Syndrome; Tumor predisposition; Hereditary neoplastic syndrome; Neoplastic Syndromes, Hereditary. Identifiers: Orphanet 140162, MedGen C0027672, MeSH D009386, MONDO:0015356.
Cardiovascular phenotype. Identifiers: MedGen CN230736.

Submission:

Ambry Genetics
Classification: Uncertain significance for Cardiovascular phenotype; Hereditary cancer-predisposing syndrome. Last evaluated: 2024-08-19. Review status: criteria provided, single submitter. Criteria: Ambry Variant Classification Scheme 2023. Collection method: clinical testing. Allele origin: germline.
Comment: The p.Q2507H variant (also known as c.7521A>T), located in coding exon 50 of the NF1 gene, results from an A to T substitution at nucleotide position 7521. The glutamine at codon 2507 is replaced by histidine, an amino acid with highly similar properties. This amino acid position is highly conserved in available vertebrate species. In addition, the in silico prediction for this alteration is inconclusive. Based on the available evidence, the clinical significance of this variant remains unclear.